The following is an entry in ClinVar:

ClinVar aggregate classification (germline): Uncertain significance. Review status: criteria provided, multiple submitters, no conflicts (2 of 4 stars). 2 submissions from 2 submitters: Uncertain significance (2). Last evaluated 2025-06-26.

Conditions:
Inborn genetic diseases. Identifiers: MedGen C0950123, MeSH D030342.

Allele frequency attached by ClinVar (database versions not stated): gnomAD 0.00002; gnomAD exomes 0.00005; TOPMed 0.00004.
gnomAD v4.1: 73 of 1,612,550 alleles (0.0045%); highest among the groups gnomAD compares: Non-Finnish European, 0.0057%; no homozygotes.

Submissions (2):

GeneDx
Classification: Uncertain significance. Last evaluated: 2025-06-26. Review status: criteria provided, single submitter. Criteria: GeneDx Variant Classification Process June 2021. Collection method: clinical testing. Allele origin: germline. Affected: yes.
Comment: In silico analysis supports that this missense variant has a deleterious effect on protein structure/function; Has not been previously published as pathogenic or benign to our knowledge

Ambry Genetics
Classification: Uncertain significance for Inborn genetic diseases. Last evaluated: 2021-11-08. Review status: criteria provided, single submitter. Criteria: Ambry Variant Classification Scheme 2023. Collection method: clinical testing. Allele origin: germline.

NM_001394062.1(MACF1):c.17236G>A (p.Asp5746Asn)

Gene: MACF1 (microtubule actin crosslinking factor 1; plus strand). Cytogenetic location: 1p34.3.
Variant type: single nucleotide variant.
Coding change: c.17236G>A on transcript NM_001394062.1 (MANE Select); coding-DNA position 17236, G replaced by A.
Protein change: p.Asp5746Asn; replaces aspartic acid 5746 with asparagine.
Molecular consequence: missense variant.
Genome position (GRCh38, 1-based): chr1:39,430,807, G>A. VCF-style: chr1-39430807-G-A. GRCh37 (hg19) VCF-style: chr1-39896479-G-A.
Other names: c.5305G>A, p.Asp1769Asn (NM_001397473.1); c.11050G>A, p.Asp3684Asn (NM_012090.5); short protein forms D5746N, D3684N, D1769N.
Identifiers: ClinVar variation 2358448 (VCV002358448.3), dbSNP rs924307997, ClinGen allele CA20940892.
Genomic context (GRCh38, chr1:39,430,807, plus strand): 5'-GTGAATGAGGTGAGCCGTGCTCTCTTAGAGCTGGTGCCCTGGAGAGCCAGAGAAGGGCTG[G>A]ATAAACTTGTGTCCGATGCTAACGAGCAGTACAAACTAGTCAGTGACACTATTGGACAAA-3'
Protein context (NP_001380991.1, residues 5736-5756): LVPWRAREGL[Asp5746Asn]KLVSDANEQY